The following is an entry in ClinVar:

NM_003001.5(SDHC):c.34C>G (p.His12Asp)

Gene: SDHC (succinate dehydrogenase complex subunit C; plus strand). Cytogenetic location: 1q23.3.
Variant type: single nucleotide variant.
Coding change: c.34C>G on transcript NM_003001.5 (MANE Select); coding-DNA position 34, C replaced by G.
Protein change: p.His12Asp; replaces histidine 12 with aspartic acid.
Molecular consequence: missense variant. On other transcripts: 5 prime UTR variant (2), non-coding transcript variant (1), intron variant (4).
Genome position (GRCh38, 1-based): chr1:161,323,627, C>G. VCF-style: chr1-161323627-C-G. GRCh37 (hg19) VCF-style: chr1-161293417-C-G.
Other names: c.34C>G, p.His12Asp (NM_001035511.3, NM_001035512.3, NM_001278172.3 and 2 more transcripts); c.-78C>G (NM_001407119.1); c.-196C>G (NM_001407120.1); c.21-4769C>G (NM_001407116.1, NM_001407121.1, NM_001407117.1); c.20+9202C>G (NM_001035513.3); short protein forms H12D.
Identifiers: ClinVar variation 1002746 (VCV001002746.12), dbSNP rs1670923808, ClinGen allele CA343359332.

ClinVar aggregate classification (germline): Uncertain significance. Review status: criteria provided, multiple submitters, no conflicts (2 of 4 stars). 2 submissions from 2 submitters: Uncertain significance (2). Last evaluated 2023-07-08.

Conditions:
Hereditary cancer-predisposing syndrome. Also called: Neoplastic Syndromes, Hereditary; Hereditary Cancer Syndrome; Hereditary neoplastic syndrome; Tumor predisposition. Identifiers: Orphanet 140162, MedGen C0027672, MeSH D009386, MONDO:0015356.
Gastrointestinal stromal tumor. Also called: Gastrointestinal stromal tumor, somatic; Gastrointestinal stroma tumor. Identifiers: Orphanet 44890, MedGen C0238198, MeSH D046152, MONDO:0011719, OMIM 606764, HP:0100723.
Pheochromocytoma/paraganglioma syndrome 3. Also called: GLOMUS TUMORS, FAMILIAL, 3; SDHC-Related Hereditary Paraganglioma-Pheochromocytoma Syndrome; Paragangliomas 3; SDHC-Related Hereditary Paraganglioma-Pheochromocytoma Syndrome (Paragangliomas 3). Identifiers: Orphanet 29072, MedGen C1854336, MONDO:0011544, OMIM 605373.

gnomAD v4.1: 1 of 1,613,592 alleles (0.000062%); highest among the groups gnomAD compares: Non-Finnish European, 0.000085%; no homozygotes.

Submissions (2):

Ambry Genetics
Classification: Uncertain significance for Hereditary cancer-predisposing syndrome. Last evaluated: 2023-07-08. Review status: criteria provided, single submitter. Criteria: Ambry Variant Classification Scheme 2023. Collection method: clinical testing. Allele origin: germline.
Comment: The p.H12D variant (also known as c.34C>G), located in coding exon 2 of the SDHC gene, results from a C to G substitution at nucleotide position 34. The histidine at codon 12 is replaced by aspartic acid, an amino acid with similar properties. This amino acid position is conserved. In addition, this alteration is predicted to be deleterious by in silico analysis. Since supporting evidence is limited at this time, the clinical significance of this alteration remains unclear.

Labcorp Genetics (formerly Invitae), Labcorp
Classification: Uncertain significance for Pheochromocytoma/paraganglioma syndrome 3; Gastrointestinal stromal tumor. Last evaluated: 2020-10-29. Review status: criteria provided, single submitter. Criteria: Invitae Variant Classification Sherloc (09022015). Collection method: clinical testing. Allele origin: germline.
Comment: In summary, the available evidence is currently insufficient to determine the role of this variant in disease. Therefore, it has been classified as a Variant of Uncertain Significance. Algorithms developed to predict the effect of missense changes on protein structure and function (SIFT, PolyPhen-2, Align-GVGD) all suggest that this variant is likely to be tolerated, but these predictions have not been confirmed by published functional studies and their clinical significance is uncertain. This variant has not been reported in the literature in individuals with SDHC-related conditions. This variant is not present in population databases (ExAC no frequency). This sequence change replaces histidine with aspartic acid at codon 12 of the SDHC protein (p.His12Asp). The histidine residue is moderately conserved and there is a moderate physicochemical difference between histidine and aspartic acid.